The following is an entry in ClinVar:

ClinVar aggregate classification (germline): Uncertain significance. Review status: criteria provided, multiple submitters, no conflicts (2 of 4 stars). 2 submissions from 2 submitters: Uncertain significance (2). Last evaluated 2025-10-10.

Conditions:
CHARGE syndrome (CHARGE). Also called: Hittner Hirsch Kreh syndrome; Coloboma, heart anomaly, choanal atresia, retardation, genital and ear anomalies; CHARGE association; Hall-Hittner syndrome; CHARGE ASSOCIATION--COLOBOMA, HEART ANOMALY, CHOANAL ATRESIA, RETARDATION, GENITAL AND EAR ANOMALIES. Identifiers: Orphanet 138, MedGen C0265354, MONDO:0008965.
Hypogonadotropic hypogonadism 5 with or without anosmia (KAL5). Also called: HYPOGONADOTROPIC HYPOGONADISM 5 WITH ANOSMIA; HYPOGONADOTROPHIC HYPOGONADISM 5 WITHOUT ANOSMIA; CHD7-Related GnRH Deficiency (Kallmann Syndrome 5). Identifiers: Orphanet 478, MedGen C3552553, MONDO:0012880, OMIM 612370. Disease mechanism: loss of function.

Allele frequency attached by ClinVar (database versions not stated): TOPMed below 0.00001.

Submissions (2):

Labcorp Genetics (formerly Invitae), Labcorp
Classification: Uncertain significance for CHARGE syndrome. Last evaluated: 2025-10-10. Review status: criteria provided, single submitter. Criteria: Invitae Variant Classification Sherloc (09022015). Collection method: clinical testing. Allele origin: germline.
Comment: This sequence change replaces threonine, which is neutral and polar, with proline, which is neutral and non-polar, at codon 2827 of the CHD7 protein (p.Thr2827Pro). This variant is not present in population databases (gnomAD no frequency). This variant has not been reported in the literature in individuals affected with CHD7-related conditions. ClinVar contains an entry for this variant (Variation ID: 1009090). Invitae Evidence Modeling of protein sequence and biophysical properties (such as structural, functional, and spatial information, amino acid conservation, physicochemical variation, residue mobility, and thermodynamic stability) indicates that this missense variant is not expected to disrupt CHD7 protein function with a negative predictive value of 95%. In summary, the available evidence is currently insufficient to determine the role of this variant in disease. Therefore, it has been classified as a Variant of Uncertain Significance.

Fulgent Genetics
Classification: Uncertain significance for CHD7-related CHARGE syndrome; Hypogonadotropic hypogonadism 5 with or without anosmia. Last evaluated: 2022-04-21. Review status: criteria provided, single submitter. Criteria: ACMG Guidelines, 2015. Collection method: clinical testing. Allele origin: unknown.

NM_017780.4(CHD7):c.8479A>C (p.Thr2827Pro)

Gene: CHD7 (chromodomain helicase DNA binding protein 7; plus strand). Cytogenetic location: 8q12.2.
Variant type: single nucleotide variant.
Coding change: c.8479A>C on transcript NM_017780.4 (MANE Select); coding-DNA position 8479, A replaced by C.
Protein change: p.Thr2827Pro; replaces threonine 2827 with proline.
Molecular consequence: missense variant.
Genome position (GRCh38, 1-based): chr8:60,865,418, A>C. VCF-style: chr8-60865418-A-C. GRCh37 (hg19) VCF-style: chr8-61777977-A-C.
Other names: c.2332A>C, p.Thr778Pro (NM_001316690.1); short protein forms T2827P, T778P.
Identifiers: ClinVar variation 1009090 (VCV001009090.9), dbSNP rs1373512004, ClinGen allele CA371309791.